The following is an entry in ClinVar:

NM_000264.5(PTCH1):c.1498A>G (p.Thr500Ala)

Gene: PTCH1 (patched 1; minus strand). Cytogenetic location: 9q22.32.
Variant type: single nucleotide variant.
Coding change: c.1498A>G on transcript NM_000264.5 (MANE Select); coding-DNA position 1498, A replaced by G.
Protein change: p.Thr500Ala; replaces threonine 500 with alanine.
Molecular consequence: missense variant. On other transcripts: non-coding transcript variant (1), intron variant (1).
Genome position (GRCh38, 1-based): chr9:95,477,552, T>C on the plus strand (A>G on the coding strand, the complement: PTCH1 is on the minus strand). VCF-style: chr9-95477552-T-C. GRCh37 (hg19) VCF-style: chr9-98239834-T-C.
Other names: c.1300A>G, p.Thr434Ala (NM_001083602.3); c.1495A>G, p.Thr499Ala (NM_001083603.3); c.1045A>G, p.Thr349Ala (NM_001083604.3, NM_001083605.3, NM_001083606.3 and 1 more transcripts); c.1347+503A>G (NM_001354918.2); short protein forms T434A, T500A, T349A, T499A.
Identifiers: ClinVar variation 3635854 (VCV003635854.2).

ClinVar aggregate classification (germline): Uncertain significance (1 of 4 stars; one submission).

Conditions:
Gorlin syndrome. Also called: Nevoid Basal Cell Carcinoma Syndrome; Basal cell nevus syndrome. Identifiers: Orphanet 377, MedGen C0004779, MONDO:0007187.

Submission:

Labcorp Genetics (formerly Invitae), Labcorp
Classification: Uncertain significance for Gorlin syndrome. Last evaluated: 2024-03-14. Review status: criteria provided, single submitter. Criteria: Invitae Variant Classification Sherloc (09022015). Collection method: clinical testing. Allele origin: germline.
Comment: This sequence change replaces threonine, which is neutral and polar, with alanine, which is neutral and non-polar, at codon 500 of the PTCH1 protein (p.Thr500Ala). This variant is not present in population databases (gnomAD no frequency). This variant has not been reported in the literature in individuals affected with PTCH1-related conditions. Advanced modeling of protein sequence and biophysical properties (such as structural, functional, and spatial information, amino acid conservation, physicochemical variation, residue mobility, and thermodynamic stability) performed at Invitae indicates that this missense variant is not expected to disrupt PTCH1 protein function with a negative predictive value of 95%. In summary, the available evidence is currently insufficient to determine the role of this variant in disease. Therefore, it has been classified as a Variant of Uncertain Significance.